The following is an entry in ClinVar:

NM_001200.4(BMP2):c.100G>C (p.Ala34Pro)

Gene: BMP2 (bone morphogenetic protein 2; plus strand). Cytogenetic location: 20p12.3.
Variant type: single nucleotide variant.
Coding change: c.100G>C on transcript NM_001200.4 (MANE Select); coding-DNA position 100, G replaced by C.
Protein change: p.Ala34Pro; replaces alanine 34 with proline.
Molecular consequence: missense variant.
Genome position (GRCh38, 1-based): chr20:6,770,226, G>C. VCF-style: chr20-6770226-G-C. GRCh37 (hg19) VCF-style: chr20-6750873-G-C.
Other names: short protein forms A34P.
Identifiers: ClinVar variation 2421743 (VCV002421743.6), dbSNP rs936595058, ClinGen allele CA311471103.

ClinVar aggregate classification (germline): Uncertain significance (1 of 4 stars; one submission).

Allele frequency attached by ClinVar (database versions not stated): gnomAD exomes below 0.00001.
gnomAD v4.1: 6 of 1,600,780 alleles (0.00037%); highest among the groups gnomAD compares: Admixed American, 0.0068%; no homozygotes.

Submission:

Labcorp Genetics (formerly Invitae), Labcorp
Classification: Uncertain significance. Last evaluated: 2025-05-05. Review status: criteria provided, single submitter. Criteria: Invitae Variant Classification Sherloc (09022015). Collection method: clinical testing. Allele origin: germline.
Comment: This sequence change replaces alanine, which is neutral and non-polar, with proline, which is neutral and non-polar, at codon 34 of the BMP2 protein (p.Ala34Pro). This variant is present in population databases (no rsID available, gnomAD 0.01%). This variant has not been reported in the literature in individuals affected with BMP2-related conditions. ClinVar contains an entry for this variant (Variation ID: 2421743). An algorithm developed to predict the effect of missense changes on protein structure and function (PolyPhen-2) suggests that this variant is likely to be disruptive. In summary, the available evidence is currently insufficient to determine the role of this variant in disease. Therefore, it has been classified as a Variant of Uncertain Significance.